The following is an entry in ClinVar:

ClinVar aggregate classification (germline): Uncertain significance (1 of 4 stars; one submission).

Conditions:
Amyotrophic lateral sclerosis type 1 (ALS1). Also called: AMYOTROPHIC LATERAL SCLEROSIS 1, FAMILIAL. Identifiers: Orphanet 803, MedGen C1862939, MONDO:0007103, OMIM 105400.
Neuronopathy, distal hereditary motor, type 7B. Also called: HMN VIIB; LOWER MOTOR NEURON DISEASE, DYNACTIN TYPE; NEURONOPATHY, DISTAL HEREDITARY MOTOR, AUTOSOMAL DOMINANT 14; NEURONOPATHY, DISTAL HEREDITARY MOTOR, HARDING TYPE VIIB; NEUROPATHY, DISTAL HEREDITARY MOTOR, HARDING TYPE VIIB; NEUROPATHY, DISTAL HEREDITARY MOTOR, WITH VOCAL CORD PARALYSIS, HARDING TYPE VIIB. Identifiers: Orphanet 139589, MedGen C1843315, MONDO:0011879, OMIM 607641.
Perry syndrome. Also called: PARKINSONISM WITH ALVEOLAR HYPOVENTILATION AND MENTAL DEPRESSION. Identifiers: Orphanet 178509, MedGen C1868594, MONDO:0008201, OMIM 168605.

gnomAD v4.1: 9 of 1,614,168 alleles (0.00056%); highest among the groups gnomAD compares: Middle Eastern, 0.016%; no homozygotes.

Submission:

Labcorp Genetics (formerly Invitae), Labcorp
Classification: Uncertain significance for Amyotrophic lateral sclerosis type 1; Neuronopathy, distal hereditary motor, type 7B; Perry syndrome. Last evaluated: 2024-02-09. Review status: criteria provided, single submitter. Criteria: Invitae Variant Classification Sherloc (09022015). Collection method: clinical testing. Allele origin: germline.
Comment: This sequence change replaces threonine, which is neutral and polar, with alanine, which is neutral and non-polar, at codon 950 of the DCTN1 protein (p.Thr950Ala). This variant is present in population databases (rs752469625, gnomAD 0.006%). This variant has not been reported in the literature in individuals affected with DCTN1-related conditions. Advanced modeling of protein sequence and biophysical properties (such as structural, functional, and spatial information, amino acid conservation, physicochemical variation, residue mobility, and thermodynamic stability) performed at Invitae indicates that this missense variant is not expected to disrupt DCTN1 protein function with a negative predictive value of 80%. In summary, the available evidence is currently insufficient to determine the role of this variant in disease. Therefore, it has been classified as a Variant of Uncertain Significance.

NM_004082.5(DCTN1):c.2848A>G (p.Thr950Ala)

Gene: DCTN1 (dynactin subunit 1; minus strand). Cytogenetic location: 2p13.1.
Variant type: single nucleotide variant.
Coding change: c.2848A>G on transcript NM_004082.5 (MANE Select); coding-DNA position 2848, A replaced by G.
Protein change: p.Thr950Ala; replaces threonine 950 with alanine.
Molecular consequence: missense variant. On other transcripts: non-coding transcript variant (1).
Genome position (GRCh38, 1-based): chr2:74,365,931, T>C on the plus strand (A>G on the coding strand, the complement: DCTN1 is on the minus strand). VCF-style: chr2-74365931-T-C. GRCh37 (hg19) VCF-style: chr2-74593058-T-C.
Other names: c.2788A>G, p.Thr930Ala (NM_001135040.3); c.2446A>G, p.Thr816Ala (NM_001135041.3, NM_023019.4); c.2737A>G, p.Thr913Ala (NM_001190836.2); c.2827A>G, p.Thr943Ala (NM_001190837.2); c.2797A>G, p.Thr933Ala (NM_001378991.1); c.2779A>G, p.Thr927Ala (NM_001378992.1); short protein forms T816A, T913A, T927A, T930A, T933A, T943A, T950A.
Identifiers: ClinVar variation 3751808 (VCV003751808.2).
Genomic context (GRCh38, chr2:74,365,931, plus strand): 5'-CCTGAGCCTACACTACCCTCACCTTAATCTTGAGTGACTTCTTCAACTCCTTAATAACTG[T>C]CTCTCGATCTTCGAGCTTCAAACCCAGGCCTTCAGCATCTGTGATCTCTGCACGAAGGGC-3'
Protein context (NP_004073.2, residues 940-960): GLGLKLEDRE[Thr950Ala]VIKELKKSLK